The following is an entry in ClinVar:

NM_000551.4(VHL):c.-1A>G

Gene: VHL (von Hippel-Lindau tumor suppressor; plus strand). Cytogenetic location: 3p25.3.
Variant type: single nucleotide variant.
Coding change: c.-1A>G on transcript NM_000551.4 (MANE Select); 1 bases upstream of the start codon, A replaced by G.
Molecular consequence: 5 prime UTR variant. On other transcripts: non-coding transcript variant (1).
Genome position (GRCh38, 1-based): chr3:10,141,847, A>G. VCF-style: chr3-10141847-A-G. GRCh37 (hg19) VCF-style: chr3-10183531-A-G.
Other names: c.-1A>G (NM_001354723.2, NM_198156.3).
Identifiers: ClinVar variation 1710797 (VCV001710797.7), dbSNP rs1165233721, ClinGen allele CA1044994608.

ClinVar aggregate classification (germline): Conflicting classifications of pathogenicity. Review status: criteria provided, conflicting classifications (1 of 4 stars). 3 submissions from 3 submitters: Uncertain significance (2); Likely benign (1). Last evaluated 2025-05-02.

Conditions:
Hereditary cancer-predisposing syndrome. Also called: Hereditary neoplastic syndrome; Tumor predisposition; Neoplastic Syndromes, Hereditary; Hereditary Cancer Syndrome. Identifiers: Orphanet 140162, MedGen C0027672, MeSH D009386, MONDO:0015356.
Von Hippel-Lindau syndrome (VHLS). Also called: Von Hippel-Lindau; von Hippel–Lindau syndrome; VHL syndrome. Identifiers: Orphanet 892, MedGen C0019562, MONDO:0008667, OMIM 193300. Disease mechanism: loss of function.

Allele frequency attached by ClinVar (database versions not stated): gnomAD 0.00001.

Submissions (3):

Ambry Genetics
Classification: Uncertain significance for Hereditary cancer-predisposing syndrome. Last evaluated: 2025-05-02. Review status: criteria provided, single submitter. Criteria: Ambry Variant Classification Scheme 2023. Collection method: clinical testing. Allele origin: germline.
Comment: The c.-1A>G variant is located in the 5' untranslated region (5&rsquo; UTR) of the VHL gene. This variant results from an A to G substitution 1 bases upstream from the first translated codon. This nucleotide position is not well conserved in available vertebrate species. Since supporting evidence is limited at this time, the clinical significance of this alteration remains unclear.

All of Us Research Program, National Institutes of Health
Classification: Uncertain significance for Von Hippel-Lindau syndrome. Last evaluated: 2023-05-04. Review status: criteria provided, single submitter. Criteria: ACMG Guidelines, 2015. Collection method: clinical testing. Allele origin: germline. Inheritance: Autosomal dominant inheritance. Observed: 1 variant allele, 1 heterozygote.
Comment: This variant causes a A to G nucleotide substitution at the -1 position of the 5' untranslated region in the VHL gene. To our knowledge, functional studies have not been reported for this variant. This variant has not been reported in individuals affected with VHL-related disorders in the literature. This variant has not been identified in the general population by the Genome Aggregation Database (gnomAD). The available evidence is insufficient to determine the role of this variant in disease conclusively. Therefore, this variant is classified as a Variant of Uncertain Significance.

This study involves interpretation of variants in research participants for the purpose of population health screening. Participant phenotype was not available at the time of variant classification. Additional details can be found in publication PMID: 35346344, PMCID: PMC8962531

GeneDx
Classification: Likely benign. Last evaluated: 2022-10-14. Review status: criteria provided, single submitter. Criteria: GeneDx Variant Classification Process June 2021. Collection method: clinical testing. Allele origin: germline. Affected: yes.
Comment: See Variant Classification Assertion Criteria.